The following is an entry in ClinVar:

NM_001378328.1(CELSR1):c.6903G>A (p.Pro2301=)

Gene: CELSR1 (cadherin EGF LAG seven-pass G-type receptor 1; minus strand). Cytogenetic location: 22q13.31.
Variant type: single nucleotide variant.
Coding change: c.6903G>A on transcript NM_001378328.1 (MANE Select); coding-DNA position 6903, G replaced by A.
Protein change: p.Pro2301=; no amino-acid change (proline 2301 retained).
Molecular consequence: synonymous variant.
Genome position (GRCh38, 1-based): chr22:46,382,031, C>T on the plus strand (G>A on the coding strand, the complement: CELSR1 is on the minus strand). VCF-style: chr22-46382031-C-T. GRCh37 (hg19) VCF-style: chr22-46777928-C-T.
Other names: c.6903G>A, p.Pro2301= (NM_014246.4).
Identifiers: ClinVar variation 3025584 (VCV003025584.22), dbSNP rs137999772, ClinGen allele CA10293577.

ClinVar aggregate classification (germline): Likely benign (1 of 4 stars; one submission).

Allele frequency attached by ClinVar (database versions not stated): ExAC 0.00113; 1000 Genomes Project 30x 0.00156; ESP Exome Variant Server 0.00161; gnomAD 0.00167; TOPMed 0.00175; 1000 Genomes Project 0.00180.
gnomAD v4.1: 508 of 1,546,408 alleles (0.033%); highest among the groups gnomAD compares: African/African-American, 0.57%; 2 homozygotes.

Submission:

CeGaT Center for Human Genetics Tuebingen
Classification: Likely benign. Last evaluated: 2024-02-01. Review status: criteria provided, single submitter. Criteria: CeGaT Center For Human Genetics Tuebingen Variant Classification Criteria Version 2. Collection method: clinical testing. Allele origin: germline. Affected: yes. Observed: 1 variant allele.
Comment: CELSR1: BP4, BP7